The following is an entry in ClinVar:

NM_000979.4(RPL18):c.202C>T (p.Arg68Trp)

Gene: RPL18 (ribosomal protein L18; minus strand). Cytogenetic location: 19q13.33.
Variant type: single nucleotide variant.
Coding change: c.202C>T on transcript NM_000979.4 (MANE Select); coding-DNA position 202, C replaced by T.
Protein change: p.Arg68Trp; replaces arginine 68 with tryptophan.
Molecular consequence: missense variant. On other transcripts: non-coding transcript variant (1).
Genome position (GRCh38, 1-based): chr19:48,616,821, G>A on the plus strand (C>T on the coding strand, the complement: RPL18 is on the minus strand). VCF-style: chr19-48616821-G-A. GRCh37 (hg19) VCF-style: chr19-49120078-G-A.
Other names: c.115C>T, p.Arg39Trp (NM_001270490.2); short protein forms R39W, R68W.
Identifiers: ClinVar variation 1972785 (VCV001972785.5), dbSNP rs374561441, ClinGen allele CA9554142.

ClinVar aggregate classification (germline): Uncertain significance (1 of 4 stars; one submission).

Allele frequency attached by ClinVar (database versions not stated): ExAC 0.00002; TOPMed 0.00003; ESP Exome Variant Server 0.00008.

Submission:

Labcorp Genetics (formerly Invitae), Labcorp
Classification: Uncertain significance. Last evaluated: 2024-07-19. Review status: criteria provided, single submitter. Criteria: Invitae Variant Classification Sherloc (09022015). Collection method: clinical testing. Allele origin: germline.
Comment: This sequence change replaces arginine, which is basic and polar, with tryptophan, which is neutral and slightly polar, at codon 68 of the RPL18 protein (p.Arg68Trp). This variant is present in population databases (rs374561441, gnomAD 0.008%). This variant has not been reported in the literature in individuals affected with RPL18-related conditions. ClinVar contains an entry for this variant (Variation ID: 1972785). An algorithm developed to predict the effect of missense changes on protein structure and function (PolyPhen-2) suggests that this variant is likely to be tolerated. In summary, the available evidence is currently insufficient to determine the role of this variant in disease. Therefore, it has been classified as a Variant of Uncertain Significance.